The following is an entry in ClinVar:

NM_000426.4(LAMA2):c.5865+1G>A

Gene: LAMA2 (laminin subunit alpha 2; plus strand). Cytogenetic location: 6q22.33.
Variant type: single nucleotide variant.
Coding change: c.5865+1G>A on transcript NM_000426.4 (MANE Select); the canonical splice donor site of the intron after coding-DNA position 5865, G replaced by A.
Molecular consequence: splice donor variant.
Genome position (GRCh38, 1-based): chr6:129,403,960, G>A. VCF-style: chr6-129403960-G-A. GRCh37 (hg19) VCF-style: chr6-129725105-G-A.
Other names: c.5865+1G>A (NM_001079823.2).
Identifiers: ClinVar variation 3683816 (VCV003683816.3).

ClinVar aggregate classification (germline): Likely pathogenic. Review status: criteria provided, multiple submitters, no conflicts (2 of 4 stars). 2 submissions from 2 submitters: Likely pathogenic (2). Last evaluated 2025-05-30.

Conditions:
LAMA2-related muscular dystrophy (LAMA2-RD). Also called: Laminin alpha 2-related dystrophy. Identifiers: MedGen C5679788, MONDO:0100228.

Submissions (2):

Myriad Genetics, Inc.
Classification: Likely pathogenic for LAMA2-related muscular dystrophy. Last evaluated: 2025-05-30. Review status: criteria provided, single submitter. Criteria: Myriad Autosomal Dominant, Autosomal Recessive and X-Linked Classification Criteria (2023). Collection method: clinical testing. Allele origin: unknown.
Comment: NM_000426.3(LAMA2):c.5865+1G>A is a variant in a canonical splice site classified as likely pathogenic in the context of muscular dystrophy, LAMA2-related. c.5865+1G>A has not been observed in cases with relevant disease. Relevant functional assessments of this variant are not available in the literature. c.5865+1G>A has not been observed in referenced population frequency databases. In summary, NM_000426.3(LAMA2):c.5865+1G>A is a variant in a canonical splice site in a gene where loss of function is a known mechanism of disease and is predicted to disrupt protein function. Please note: this variant was assessed in the context of healthy population screening.

Labcorp Genetics (formerly Invitae), Labcorp
Classification: Likely pathogenic for LAMA2-related muscular dystrophy. Last evaluated: 2024-06-23. Review status: criteria provided, single submitter. Criteria: Invitae Variant Classification Sherloc (09022015). Collection method: clinical testing. Allele origin: germline.
Comment: This sequence change affects a donor splice site in intron 40 of the LAMA2 gene. It is expected to disrupt RNA splicing. Variants that disrupt the donor or acceptor splice site typically lead to a loss of protein function (PMID: 16199547), and loss-of-function variants in LAMA2 are known to be pathogenic (PMID: 18700894, 32904964). This variant is not present in population databases (gnomAD no frequency). This variant has not been reported in the literature in individuals affected with LAMA2-related conditions. Algorithms developed to predict the effect of sequence changes on RNA splicing suggest that this variant may disrupt the consensus splice site. In summary, the currently available evidence indicates that the variant is pathogenic, but additional data are needed to prove that conclusively. Therefore, this variant has been classified as Likely Pathogenic.

Literature cited by the submitters: PubMed 16199547 (cited by Labcorp Genetics (formerly Invitae), Labcorp); PubMed 18700894 (cited by Labcorp Genetics (formerly Invitae), Labcorp); PubMed 32904964 (cited by Labcorp Genetics (formerly Invitae), Labcorp).